The following is an entry in ClinVar:

NM_018480.7(TMEM126B):c.82-1G>A

Gene: TMEM126B (transmembrane protein 126B; plus strand). Cytogenetic location: 11q14.1.
Variant type: single nucleotide variant.
Coding change: c.82-1G>A on transcript NM_018480.7 (MANE Select); the canonical splice acceptor site of the intron before coding-DNA position 82, G replaced by A.
Molecular consequence: splice acceptor variant. On other transcripts: intron variant (2).
Genome position (GRCh38, 1-based): chr11:85,631,686, G>A. VCF-style: chr11-85631686-G-A. GRCh37 (hg19) VCF-style: chr11-85342730-G-A.
Other names: c.-9-1G>A (NM_001256546.2, NM_001193538.3, NM_001350396.2); c.66-2400G>A (NM_001256547.2); c.82-2400G>A (NM_001350393.1); c.22-1G>A (NM_001350395.2, NM_001193537.3); c.82-1G>A (NM_001350394.2).
Identifiers: ClinVar variation 4856960 (VCV004856960.2).

ClinVar aggregate classification (germline): Likely pathogenic (1 of 4 stars; one submission).

Submission:

Dasa
Classification: Likely pathogenic. Last evaluated: 2024-07-10. Review status: criteria provided, single submitter. Criteria: DASA Assertion Criteria. Collection method: clinical testing. Allele origin: germline.
Comment: NM_018480.7(TMEM126B):c.82-1G>A affects a canonical splice site and is predicted to disrupt normal RNA splicing. Loss of function is an established disease mechanism for TMEM126B-associated disorders. Also, this variant is rare in population databases. Based on the currently available evidence, this variant is classified as likely pathogenic.